The following is an entry in ClinVar:

NM_000748.3(CHRNB2):c.1338C>T (p.Ser446=)

Gene: CHRNB2 (cholinergic receptor nicotinic beta 2 subunit; plus strand). Cytogenetic location: 1q21.3.
Variant type: single nucleotide variant.
Coding change: c.1338C>T on transcript NM_000748.3 (MANE Select); coding-DNA position 1338, C replaced by T.
Protein change: p.Ser446=; no amino-acid change (serine 446 retained).
Molecular consequence: synonymous variant.
Genome position (GRCh38, 1-based): chr1:154,572,161, C>T. VCF-style: chr1-154572161-C-T. GRCh37 (hg19) VCF-style: chr1-154544637-C-T.
Identifiers: ClinVar variation 1511375 (VCV001511375.8), dbSNP rs201462348, ClinGen allele CA30835245.

ClinVar aggregate classification (germline): Uncertain significance. Review status: criteria provided, multiple submitters, no conflicts (2 of 4 stars). 2 submissions from 2 submitters: Uncertain significance (2). Last evaluated 2025-07-16.

Conditions:
Familial sleep-related hypermotor epilepsy. Also called: Autosomal Dominant Sleep-Related Hypermotor (Hyperkinetic) Epilepsy. Identifiers: Orphanet 98784, MedGen C3696898, MONDO:0000030.

Allele frequency attached by ClinVar (database versions not stated): gnomAD exomes 0.00001.

Submissions (2):

GeneDx
Classification: Uncertain significance. Last evaluated: 2025-07-16. Review status: criteria provided, single submitter. Criteria: GeneDx Variant Classification Process June 2021. Collection method: clinical testing. Allele origin: germline. Affected: yes.
Comment: Has not been previously published as pathogenic or benign to our knowledge; In silico analysis suggests this variant may impact gene splicing. In the absence of RNA/functional studies, the actual effect of this sequence change is unknown.

Labcorp Genetics (formerly Invitae), Labcorp
Classification: Uncertain significance. Last evaluated: 2023-12-11. Review status: criteria provided, single submitter. Criteria: Invitae Variant Classification Sherloc (09022015). Collection method: clinical testing. Allele origin: germline.
Comment: This sequence change affects codon 446 of the CHRNB2 mRNA. It is a 'silent' change, meaning that it does not change the encoded amino acid sequence of the CHRNB2 protein. It affects a nucleotide within the consensus splice site. The frequency data for this variant in the population databases is considered unreliable, as metrics indicate poor data quality at this position in the gnomAD database. This variant has not been reported in the literature in individuals affected with CHRNB2-related conditions. ClinVar contains an entry for this variant (Variation ID: 1511375). Algorithms developed to predict the effect of sequence changes on RNA splicing suggest that this variant is not likely to affect RNA splicing. In summary, the available evidence is currently insufficient to determine the role of this variant in disease. Therefore, it has been classified as a Variant of Uncertain Significance.